The following is an entry in ClinVar:

NM_001145809.2(MYH14):c.4642C>G (p.Arg1548Gly)

Gene: MYH14 (myosin heavy chain 14; plus strand). Cytogenetic location: 19q13.33.
Variant type: single nucleotide variant.
Coding change: c.4642C>G on transcript NM_001145809.2 (MANE Select); coding-DNA position 4642, C replaced by G.
Protein change: p.Arg1548Gly; replaces arginine 1548 with glycine.
Molecular consequence: missense variant.
Genome position (GRCh38, 1-based): chr19:50,286,584, C>G. VCF-style: chr19-50286584-C-G. GRCh37 (hg19) VCF-style: chr19-50789841-C-G.
Other names: c.4543C>G, p.Arg1515Gly (NM_001077186.2); c.4519C>G, p.Arg1507Gly (NM_024729.4); short protein forms R1507G, R1515G, R1548G.
Identifiers: ClinVar variation 1304212 (VCV001304212.2), dbSNP rs893490164, ClinGen allele CA406959140.

ClinVar aggregate classification (germline): Uncertain significance (1 of 4 stars; one submission).

gnomAD v4.1: 2 of 1,608,594 alleles (0.00012%); highest among the groups gnomAD compares: Non-Finnish European, 0.00017%; no homozygotes.

Submission:

GeneDx
Classification: Uncertain significance. Last evaluated: 2021-03-30. Review status: criteria provided, single submitter. Criteria: GeneDx Variant Classification Process June 2021. Collection method: clinical testing. Allele origin: germline. Affected: yes.
Comment: Not observed at a significant frequency in large population cohorts (Lek et al., 2016)